The following is an entry in ClinVar:

NM_000465.4(BARD1):c.2237A>G (p.His746Arg)

Gene: BARD1 (BRCA1 associated RING domain 1; minus strand). Cytogenetic location: 2q35.
Variant type: single nucleotide variant.
Coding change: c.2237A>G on transcript NM_000465.4 (MANE Select); coding-DNA position 2237, A replaced by G.
Protein change: p.His746Arg; replaces histidine 746 with arginine.
Molecular consequence: missense variant. On other transcripts: non-coding transcript variant (3).
Genome position (GRCh38, 1-based): chr2:214,728,773, T>C on the plus strand (A>G on the coding strand, the complement: BARD1 is on the minus strand). VCF-style: chr2-214728773-T-C. GRCh37 (hg19) VCF-style: chr2-215593497-T-C.
Other names: c.2180A>G, p.His727Arg (NM_001282543.2); c.884A>G, p.His295Arg (NM_001282545.2); c.827A>G, p.His276Arg (NM_001282548.2); c.698A>G, p.His233Arg (NM_001282549.2); short protein forms H746R, H233R, H276R, H295R, H727R.
Identifiers: ClinVar variation 237831 (VCV000237831.11), dbSNP rs878854007, ClinGen allele CA10581918.
Genomic context (GRCh38, chr2:214,728,773, plus strand): 5'-CAGTCTATAAACCAGCTCGAAGGAGCCTTCCAGACTTTGCCCTGCCGAACCCTCTCTGGG[T>C]GATAATTACACAAATCTTCATAGATGATATACTGTGTGCAGAAGCGCTGATCAGAATCGG-3'
Protein context (NP_000456.2, residues 736-756): YIIYEDLCNY[His746Arg]PERVRQGKVW

ClinVar aggregate classification (germline): Conflicting classifications of pathogenicity. Review status: criteria provided, conflicting classifications (1 of 4 stars). 3 submissions from 3 submitters: Uncertain significance (1); Likely benign (2). Last evaluated 2026-01-08.

Conditions:
Hereditary cancer-predisposing syndrome. Also called: Neoplastic Syndromes, Hereditary; Hereditary Cancer Syndrome; Tumor predisposition; Hereditary neoplastic syndrome. Identifiers: Orphanet 140162, MedGen C0027672, MeSH D009386, MONDO:0015356.
Familial cancer of breast. Also called: hereditary breast carcinoma; Hereditary breast cancer; BREAST CANCER, FAMILIAL. Identifiers: Orphanet 227535, MedGen C0346153, MONDO:0016419, OMIM 114480. Disease mechanism: loss of function.

Allele frequency attached by ClinVar (database versions not stated): gnomAD exomes below 0.00001.
gnomAD v4.1: 6 of 1,614,086 alleles (0.00037%); highest among the groups gnomAD compares: Non-Finnish European, 0.00042%; no homozygotes.

Submissions (3):

Labcorp Genetics (formerly Invitae), Labcorp
Classification: Uncertain significance for Familial cancer of breast. Last evaluated: 2026-01-08. Review status: criteria provided, single submitter. Criteria: Invitae Variant Classification Sherloc (09022015). Collection method: clinical testing. Allele origin: germline.
Comment: This sequence change replaces histidine, which is basic and polar, with arginine, which is basic and polar, at codon 746 of the BARD1 protein (p.His746Arg). This variant is not present in population databases (gnomAD no frequency). This variant has not been reported in the literature in individuals affected with BARD1-related conditions. ClinVar contains an entry for this variant (Variation ID: 237831). An algorithm developed to predict the effect of missense changes on protein structure and function outputs the following: PolyPhen-2: "Benign". The arginine amino acid residue is found in multiple mammalian species, which suggests that this missense change does not adversely affect protein function. In summary, the available evidence is currently insufficient to determine the role of this variant in disease. Therefore, it has been classified as a Variant of Uncertain Significance.

Blueprint Genetics
Classification: Likely benign. Last evaluated: 2022-02-02. Review status: criteria provided, single submitter. Criteria: ACMG Guidelines, 2015. Collection method: clinical testing. Allele origin: germline.

Ambry Genetics
Classification: Likely benign for Hereditary cancer-predisposing syndrome. Last evaluated: 2015-11-01. Review status: criteria provided, single submitter. Criteria: Ambry Variant Classification Scheme 2023. Collection method: clinical testing. Allele origin: germline.